The following is an entry in ClinVar:

ClinVar aggregate classification (germline): Pathogenic. Review status: criteria provided, multiple submitters, no conflicts (2 of 4 stars). 5 submissions from 5 submitters: Pathogenic (2). 3 of the submissions do not count toward it. Last evaluated 2024-03-01.

Conditions:
Dyskeratosis congenita. Identifiers: Orphanet 1775, MedGen C0265965, MONDO:0015780.
Dyskeratosis congenita, X-linked (DKCX). Also called: Zinsser-Cole-Engman Syndrome. Identifiers: MedGen C1148551, MONDO:0010584, OMIM 305000.

Submissions (5):

Labcorp Genetics (formerly Invitae), Labcorp
Classification: Pathogenic for Dyskeratosis congenita. Last evaluated: 2024-03-01. Review status: criteria provided, single submitter. Criteria: Invitae Variant Classification Sherloc (09022015). Collection method: clinical testing. Allele origin: germline.
Comment: This sequence change replaces threonine, which is neutral and polar, with methionine, which is neutral and non-polar, at codon 49 of the DKC1 protein (p.Thr49Met). This variant is not present in population databases (gnomAD no frequency). This missense change has been observed in individuals with dyskeratosis congenita (PMID: 10583221, 11491307, 14648217, 24914498). It has also been observed to segregate with disease in related individuals. ClinVar contains an entry for this variant (Variation ID: 11591). Advanced modeling of protein sequence and biophysical properties (such as structural, functional, and spatial information, amino acid conservation, physicochemical variation, residue mobility, and thermodynamic stability) performed at Invitae indicates that this missense variant is not expected to disrupt DKC1 protein function with a negative predictive value of 80%. Experimental studies have shown that this missense change affects DKC1 function (PMID: 19835419). For these reasons, this variant has been classified as Pathogenic.

GeneDx
Classification: Pathogenic. Last evaluated: 2015-04-27. Review status: criteria provided, single submitter. Criteria: GeneDx Variant Classification (06012015). Collection method: clinical testing. Allele origin: germline. Affected: yes.
Comment: The T49M variant was not observed in approximately 6,500 individuals of European and African American ancestry in the NHLBI Exome Sequencing Project, indicating it is not a common benign variant in these populations. The T49M variant is a non-conservative amino acid substitution, which is likely to impact secondary protein structure as these residues differ in polarity, charge, size and/or other properties. This substitution occurs at a position that is conserved across species. In silico analysis predicts that this substitution is probably damaging to the protein structure/function.

OMIM
Classification: Pathogenic for DYSKERATOSIS CONGENITA, X-LINKED. Last evaluated: 2009-12-01. Review status: no assertion criteria provided. Collection method: literature only. Allele origin: germline. Not counted in ClinVar's aggregate classification.

GeneReviews
No classification provided. Condition: Dyskeratosis congenita, X-linked. Review status: no classification provided. Collection method: literature only. Allele origin: unknown. Not counted in ClinVar's aggregate classification.

UniProtKB/Swiss-Prot
No classification provided. Condition: Hoyeraal Hreidarsson syndrome. Review status: no classification provided. Collection method: not provided. Allele origin: germline. Not counted in ClinVar's aggregate classification.

Literature cited by the submitters: PubMed 10583221 (cited by Labcorp Genetics (formerly Invitae), Labcorp and OMIM); PubMed 11491307 (cited by Labcorp Genetics (formerly Invitae), Labcorp and OMIM); PubMed 14648217 (cited by Labcorp Genetics (formerly Invitae), Labcorp); PubMed 24914498 (cited by Labcorp Genetics (formerly Invitae), Labcorp and OMIM); PubMed 19835419 (cited by Labcorp Genetics (formerly Invitae), Labcorp); PubMed 19734544 (cited by OMIM); PubMed 20301779 (cited by GeneReviews); NCBI Bookshelf NBK22301 (cited by GeneReviews).

NM_001363.5(DKC1):c.146C>T (p.Thr49Met)

Gene: DKC1 (dyskerin pseudouridine synthase 1; plus strand). Cytogenetic location: Xq28.
Variant type: single nucleotide variant.
Coding change: c.146C>T on transcript NM_001363.5 (MANE Select); coding-DNA position 146, C replaced by T.
Protein change: p.Thr49Met; replaces threonine 49 with methionine.
Molecular consequence: missense variant. On other transcripts: non-coding transcript variant (3).
Genome position (GRCh38, 1-based): chrX:154,765,505, C>T. VCF-style: chrX-154765505-C-T. GRCh37 (hg19) VCF-style: chrX-153993780-C-T.
Other names: c.146C>T, p.Thr49Met (NM_001142463.3, NM_001288747.2); short protein forms T49M.
Identifiers: ClinVar variation 11591 (VCV000011591.14), dbSNP rs121912304, ClinGen allele CA156187.